The following is an entry in ClinVar:

ClinVar aggregate classification (germline): Benign. Review status: criteria provided, multiple submitters, no conflicts (2 of 4 stars). 3 submissions from 3 submitters: Benign (3). Last evaluated 2026-07-01.

Allele frequency attached by ClinVar (database versions not stated): gnomAD exomes 0.00249 and 0.00458; ExAC 0.00468; gnomAD 0.00535 and 0.00558; TOPMed 0.00604; ESP Exome Variant Server 0.00630; 1000 Genomes Project 0.00779; 1000 Genomes Project 30x 0.00828.
gnomAD v4.1: 4,664 of 1,614,008 alleles (0.29%); highest among the groups gnomAD compares: Middle Eastern, 1.7%; 55 homozygotes.

Submissions (8):

CeGaT Center for Human Genetics Tuebingen
Classification: Benign. Last evaluated: 2026-07-01. Review status: criteria provided, single submitter. Criteria: CeGaT Center For Human Genetics Tuebingen Variant Classification Criteria Version 2. Collection method: clinical testing. Allele origin: germline. Affected: yes. Observed: 1 variant allele.
Comment: CHD6: BP4, BP7, BS1, BS2

Labcorp Genetics (formerly Invitae), Labcorp
Classification: Benign. Last evaluated: 2018-08-06. Review status: criteria provided, single submitter. Criteria: Invitae Variant Classification Sherloc (09022015). Collection method: clinical testing. Allele origin: germline.

Breakthrough Genomics
Classification: Benign. Review status: criteria provided, single submitter. Criteria: ACMG Guidelines, 2015. Collection method: not provided. Allele origin: germline. Inheritance: Unknown mechanism. Affected: yes.

Dr. Peter K. Rogan Lab, Western University
No classification provided (evidence only). Condition: Thyroid cancer, nonmedullary, 1. Review status: no classification provided. Collection method: in vitro. Allele origin: not applicable. Functional consequence: retained intron. Not counted in ClinVar's aggregate classification.

Dr. Peter K. Rogan Lab, Western University
No classification provided (evidence only). Condition: Thyroid cancer, nonmedullary, 1. Review status: no classification provided. Collection method: in vitro. Allele origin: not applicable. Functional consequence: retained intron. Not counted in ClinVar's aggregate classification.

Dr. Peter K. Rogan Lab, Western University
No classification provided (evidence only). Condition: Thyroid cancer, nonmedullary, 1. Review status: no classification provided. Collection method: in vitro. Allele origin: not applicable. Functional consequence: retained intron. Not counted in ClinVar's aggregate classification.

Dr. Peter K. Rogan Lab, Western University
No classification provided (evidence only). Condition: Cervical cancer. Review status: no classification provided. Collection method: in vitro. Allele origin: not applicable. Functional consequence: retained intron. Not counted in ClinVar's aggregate classification.

Dr. Peter K. Rogan Lab, Western University
No classification provided (evidence only). Condition: Ovarian serous cystadenocarcinoma. Review status: no classification provided. Collection method: in vitro. Allele origin: not applicable. Functional consequence: retained intron. Not counted in ClinVar's aggregate classification.

NM_032221.5(CHD6):c.264A>T (p.Gly88=)

Gene: CHD6 (chromodomain helicase DNA binding protein 6; minus strand). Cytogenetic location: 20q12.
Variant type: single nucleotide variant.
Coding change: c.264A>T on transcript NM_032221.5 (MANE Select); coding-DNA position 264, A replaced by T.
Protein change: p.Gly88=; no amino-acid change (glycine 88 retained).
Molecular consequence: synonymous variant.
Genome position (GRCh38, 1-based): chr20:41,533,340, T>A on the plus strand (A>T on the coding strand, the complement: CHD6 is on the minus strand). VCF-style: chr20-41533340-T-A. GRCh37 (hg19) VCF-style: chr20-40161979-T-A.
Other names: NC_000020.10:g.40161979T>A.
Identifiers: ClinVar variation 775650 (VCV000775650.6), dbSNP rs143534571, ClinGen allele CA9863450.